The following is an entry in ClinVar:

NM_001042492.3(NF1):c.4857del (p.Asn1619fs)

Gene: NF1 (neurofibromin 1; plus strand). Cytogenetic location: 17q11.2.
Variant type: Deletion.
Coding change: c.4857del on transcript NM_001042492.3 (MANE Select); coding-DNA position 4857, one base deleted (T; older notation c.4857delT).
Protein change: p.Asn1619fs; shifts the reading frame from asparagine 1619.
Molecular consequence: frameshift variant.
Genome position (GRCh38, 1-based): chr17:31,325,841, T deleted. VCF-style (leftmost placement, unchanged base first): chr17-31325840-AT-A. GRCh37 (hg19) VCF-style: chr17-29652858-AT-A.
Other names: c.4794delT, p.Asn1598Lysfs (NM_000267.4); short protein forms N1598fs, N1619fs.
Identifiers: ClinVar variation 1448172 (VCV001448172.6), dbSNP rs2151537542, ClinGen allele CA2573153678.

ClinVar aggregate classification (germline): Pathogenic (1 of 4 stars; one submission).

Conditions:
Neurofibromatosis, type 1 (NF1). Also called: NEUROFIBROMATOSIS, TYPE I, SOMATIC; VON RECKLINGHAUSEN DISEASE; Peripheral type neurofibromatosis; Neurofibromatosis, type I. Identifiers: Orphanet 636, MedGen C0027831, MONDO:0018975, OMIM 162200. Disease mechanism: loss of function.

Submission:

Labcorp Genetics (formerly Invitae), Labcorp
Classification: Pathogenic for Neurofibromatosis, type 1. Last evaluated: 2021-05-03. Review status: criteria provided, single submitter. Criteria: Invitae Variant Classification Sherloc (09022015). Collection method: clinical testing. Allele origin: germline.
Comment: This sequence change creates a premature translational stop signal (p.Asn1598Lysfs*5) in the NF1 gene. It is expected to result in an absent or disrupted protein product. Loss-of-function variants in NF1 are known to be pathogenic (PMID: 10712197, 23913538). This variant is not present in population databases (ExAC no frequency). This variant has not been reported in the literature in individuals with NF1-related conditions. Algorithms developed to predict the effect of sequence changes on RNA splicing suggest that this variant may create or strengthen a splice site, but this prediction has not been confirmed by published transcriptional studies. For these reasons, this variant has been classified as Pathogenic.

Literature cited by the submitters: PubMed 10712197; PubMed 23913538.